The following is an entry in ClinVar:

ClinVar aggregate classification (germline): Uncertain significance (1 of 4 stars; one submission).

Conditions:
5-Oxoprolinase deficiency (OPLAHD). Also called: 5-OXOPROLINURIA DUE TO 5-OXOPROLINASE DEFICIENCY. Identifiers: Orphanet 33572, MedGen C0268525, MONDO:0009825, OMIM 260005, HP:0040142.

Allele frequency attached by ClinVar (database versions not stated): gnomAD exomes 0.00002; ExAC 0.00004; gnomAD 0.00005; TOPMed 0.00006.
gnomAD v4.1: 44 of 1,612,542 alleles (0.0027%); highest among the groups gnomAD compares: Middle Eastern, 0.033%; no homozygotes.

Submission:

Labcorp Genetics (formerly Invitae), Labcorp
Classification: Uncertain significance for 5-Oxoprolinase deficiency. Last evaluated: 2025-06-12. Review status: criteria provided, single submitter. Criteria: Invitae Variant Classification Sherloc (09022015). Collection method: clinical testing. Allele origin: germline.
Comment: This sequence change replaces threonine, which is neutral and polar, with isoleucine, which is neutral and non-polar, at codon 863 of the OPLAH protein (p.Thr863Ile). This variant is present in population databases (rs782737966, gnomAD 0.03%). This variant has not been reported in the literature in individuals affected with OPLAH-related conditions. ClinVar contains an entry for this variant (Variation ID: 2173852). Experimental studies and prediction algorithms are not available or were not evaluated, and the functional significance of this variant is currently unknown. In summary, the available evidence is currently insufficient to determine the role of this variant in disease. Therefore, it has been classified as a Variant of Uncertain Significance.

NM_017570.5(OPLAH):c.2588C>T (p.Thr863Ile)

Gene: OPLAH (5-oxoprolinase, ATP-hydrolysing; minus strand). Cytogenetic location: 8q24.3.
Variant type: single nucleotide variant.
Coding change: c.2588C>T on transcript NM_017570.5 (MANE Select); coding-DNA position 2588, C replaced by T.
Protein change: p.Thr863Ile; replaces threonine 863 with isoleucine.
Molecular consequence: missense variant.
Genome position (GRCh38, 1-based): chr8:144,054,659, G>A on the plus strand (C>T on the coding strand, the complement: OPLAH is on the minus strand). VCF-style: chr8-144054659-G-A. GRCh37 (hg19) VCF-style: chr8-145109562-G-A.
Other names: short protein forms T863I.
Identifiers: ClinVar variation 2173852 (VCV002173852.4), dbSNP rs782737966, ClinGen allele CA4931410.
Genomic context (GRCh38, chr8:144,054,659, plus strand): 5'-GACAGAAAGACGGCACCCTCCTGTTGCAGCATGGTGGAGTGGGGGGGCATGGAGCCTGGT[G>A]TGATGCCCCCGATGTCTGCGTGGTGCCCTCGGCTGGCCACATAGAACACAGGCCGCGTCT-3'
Protein context (NP_060040.1, residues 853-873): RGHHADIGGI[Thr863Ile]PGSMPPHSTM